The following is an entry in ClinVar:

NM_138691.3(TMC1):c.859T>C (p.Tyr287His)

Gene: TMC1 (transmembrane channel like 1; plus strand). Cytogenetic location: 9q21.13.
Variant type: single nucleotide variant.
Coding change: c.859T>C on transcript NM_138691.3 (MANE Select); coding-DNA position 859, T replaced by C.
Protein change: p.Tyr287His; replaces tyrosine 287 with histidine.
Molecular consequence: missense variant.
Genome position (GRCh38, 1-based): chr9:72,772,530, T>C. VCF-style: chr9-72772530-T-C. GRCh37 (hg19) VCF-style: chr9-75387446-T-C.
Other names: short protein forms Y287H.
Identifiers: ClinVar variation 2671693 (VCV002671693.1), dbSNP rs2489883685, ClinGen allele CA373503327.

ClinVar aggregate classification (germline): Uncertain significance (1 of 4 stars; one submission).

Conditions:
Autosomal recessive nonsyndromic hearing loss 7. Also called: DEAFNESS, AUTOSOMAL RECESSIVE 11. Identifiers: Orphanet 90636, MedGen C1832978, MONDO:0010967, OMIM 600974.

Submission:

Neuberg Centre For Genomic Medicine, NCGM
Classification: Uncertain significance for Autosomal recessive nonsyndromic hearing loss 7. Last evaluated: 2023-03-01. Review status: criteria provided, single submitter. Criteria: ACMG Guidelines, 2015. Collection method: clinical testing. Allele origin: germline. Inheritance: Autosomal recessive inheritance. Affected: yes.
Comment: The missense variant c.859T>C(p.Tyr287His) in TMC1 gene has not been reported previously as a pathogenic variant nor as a benign variant, to our knowledge. The p.Tyr287His variant is novel (not in any individuals) in gnomAD Exomes and 1000 Genomes. This variant has not been reported to the ClinVar database. The amino acid change p.Tyr287His in TMC1 is predicted as conserved by GERP++ and PhyloP across 100 vertebrates. The amino acid Tyr at position 287 is changed to a His changing protein sequence and it might alter its composition and physico-chemical properties. For these reasons, this variant has been classified as Uncertain Significance (VUS).